The following is an entry in ClinVar:

NM_000540.3(RYR1):c.3527C>T (p.Thr1176Ile)

Gene: RYR1 (ryanodine receptor 1; plus strand). Cytogenetic location: 19q13.2.
Variant type: single nucleotide variant.
Coding change: c.3527C>T on transcript NM_000540.3 (MANE Select); coding-DNA position 3527, C replaced by T.
Protein change: p.Thr1176Ile; replaces threonine 1176 with isoleucine.
Molecular consequence: missense variant.
Genome position (GRCh38, 1-based): chr19:38,469,111, C>T. VCF-style: chr19-38469111-C-T. GRCh37 (hg19) VCF-style: chr19-38959751-C-T.
Other names: c.3527C>T, p.Thr1176Ile (NM_001042723.2); c.3527C>T (NM_000540.2); short protein forms T1176I.
Identifiers: ClinVar variation 590517 (VCV000590517.22), dbSNP rs549201486, ClinGen allele CA064960.

ClinVar aggregate classification (germline): Uncertain significance. Review status: reviewed by expert panel (3 of 4 stars). 5 submissions from 5 submitters: Uncertain significance (1). 4 of the submissions do not count toward it. Last evaluated 2025-08-01.

Conditions:
RYR1-related disorder. Also called: RYR1-related disorders; RYR1-related condition. Identifiers: MedGen CN239331.
Malignant hyperthermia of anesthesia. Also called: Anesthesic-triggered malignant hyperthermia. Identifiers: Orphanet 423, MedGen C0024591, MONDO:0018493, HP:0034733.

Allele frequency attached by ClinVar (database versions not stated): gnomAD below 0.00001 and 0.00002; TOPMed 0.00001; gnomAD exomes 0.00003 and 0.00008; ExAC 0.00009; 1000 Genomes Project 30x 0.00031; 1000 Genomes Project 0.00040.
gnomAD v4.1: 56 of 1,614,216 alleles (0.0035%); highest among the groups gnomAD compares: South Asian, 0.051%; no homozygotes.

Submissions (5):

ClinGen Malignant Hyperthermia Susceptibility Variant Curation Expert Panel, ClinGen
Classification: Uncertain significance for Malignant hyperthermia of anesthesia. Last evaluated: 2025-08-01. Review status: reviewed by expert panel. Criteria: ClinGen MHS ACMG Specifications V2. Collection method: curation. Allele origin: germline. Inheritance: Autosomal dominant inheritance.
Comment: This pathogenicity assessment is relevant only for malignant hyperthermia susceptibility (MHS) inherited in an autosomal dominant pattern. Variants in RYR1 can also cause other myopathies inherited in an autosomal dominant pattern or in an autosomal recessive pattern. Some of these disorders may predispose individuals to malignant hyperthermia. RYR1 variants may also contribute to a malignant hyperthermia reaction in combination with other genetic and non-genetic factors and the clinician needs to consider such factors in making management decisions. This sequence variant predicts a substitution of tyrosine with isoleucine at codon 1176 of the RYR1 protein, p.(Tyr1176Ile). The maximum allele frequency for this variant among the six major gnomAD populations is SAS: 0.0005879, a frequency consistent with pathogenicity for MHS. This variant has been reported in an individual with a personal or family history of an MH episode and a positive in vitro contracture test (IVCT) or caffeine halothane contracture test (CHCT) result (if the proband was unavailable for testing, a positive diagnostic test result in a mutation-positive relative was counted) (PMID:30236257). However, the high MAF in the SAS population in gnomAD precludes the use of PS4. No functional studies were identified for this variant. This variant does not reside in a hotspot for pathogenic variants that contribute to MHS. A REVEL score <0.5 (0.162) supports a benign status for this variant, BP4. This variant has been classified as a Variant of Uncertain Significance. Criteria implemented: BP4.

CeGaT Center for Human Genetics Tuebingen
Classification: Uncertain significance. Last evaluated: 2025-08-01. Review status: criteria provided, single submitter. Criteria: CeGaT Center For Human Genetics Tuebingen Variant Classification Criteria Version 2. Collection method: clinical testing. Allele origin: germline. Affected: yes. Observed: 1 variant allele. Not counted in ClinVar's aggregate classification.

Labcorp Genetics (formerly Invitae), Labcorp
Classification: Likely benign for RYR1-related disorder. Last evaluated: 2024-12-17. Review status: criteria provided, single submitter. Criteria: Invitae Variant Classification Sherloc (09022015). Collection method: clinical testing. Allele origin: germline. Not counted in ClinVar's aggregate classification.

Women's Health and Genetics/Laboratory Corporation of America, LabCorp
Classification: Uncertain significance. Last evaluated: 2024-06-06. Review status: criteria provided, single submitter. Criteria: LabCorp Variant Classification Summary - May 2015. Collection method: clinical testing. Allele origin: germline. Not counted in ClinVar's aggregate classification.
Comment: Variant summary: RYR1 c.3527C>T (p.Thr1176Ile) results in a non-conservative amino acid change located in the B30.2/SPRY domain (IPR001870) of the encoded protein sequence. Four of five in-silico tools predict a benign effect of the variant on protein function. The variant allele was found at a frequency of 7.6e-05 in 251478 control chromosomes. This frequency is not significantly higher than estimated for a pathogenic variant in RYR1 causing Malignant Hyperthermia Susceptibility (7.6e-05 vs 8.8e-05), allowing no conclusion about variant significance. c.3527C>T has been reported in the literature in at least one family affected with Malignant Hyperthermia Susceptibility (e.g. Miller_BJA_2018). This report does not provide unequivocal conclusions about association of the variant with Malignant Hyperthermia Susceptibility. To our knowledge, no experimental evidence demonstrating an impact on protein function has been reported. The following publications have been ascertained in the context of this evaluation (PMID: 35849058, 30236257). ClinVar contains an entry for this variant (Variation ID: 590517). Based on the evidence outlined above, the variant was classified as uncertain significance.

PreventionGenetics, part of Exact Sciences
Classification: Uncertain significance. Last evaluated: 2016-07-18. Review status: criteria provided, single submitter. Criteria: ACMG Guidelines, 2015. Collection method: clinical testing. Allele origin: germline. Not counted in ClinVar's aggregate classification.

Literature cited by the submitters: PubMed 30236257 (cited by Women's Health and Genetics/Laboratory Corporation of America, LabCorp); PubMed 35849058 (cited by Women's Health and Genetics/Laboratory Corporation of America, LabCorp).